The following is an entry in ClinVar:

ClinVar aggregate classification (germline): Likely pathogenic (1 of 4 stars; one submission).

Conditions:
Early-onset Parkinson disease 20. Also called: PARKINSON DISEASE 20, AUTOSOMAL RECESSIVE EARLY-ONSET. Identifiers: Orphanet 391411, MedGen C3809824, MONDO:0014233, OMIM 615530.

gnomAD v4.1: 1 of 1,614,134 alleles (0.000062%); highest among the groups gnomAD compares: Non-Finnish European, 0.000085%; no homozygotes.

Submission:

Dubai Health Genomic Medicine Center, Dubai Health
Classification: Likely pathogenic for Parkinson disease 20, early-onset. Last evaluated: 2024-10-04. Review status: criteria provided, single submitter. Criteria: ACMG Guidelines, 2015. Collection method: research. Allele origin: germline. Affected: yes.
Comment: PVS1,PM2

NM_203446.3(SYNJ1):c.592C>T (p.Gln198Ter)

Gene: SYNJ1 (synaptojanin 1; minus strand). Cytogenetic location: 21q22.11.
Variant type: single nucleotide variant.
Coding change: c.592C>T on transcript NM_203446.3 (MANE Select); coding-DNA position 592, C replaced by T.
Protein change: p.Gln198Ter; replaces glutamine 198 with a stop codon.
Molecular consequence: nonsense.
Genome position (GRCh38, 1-based): chr21:32,695,170, G>A on the plus strand (C>T on the coding strand, the complement: SYNJ1 is on the minus strand). VCF-style: chr21-32695170-G-A. GRCh37 (hg19) VCF-style: chr21-34067480-G-A.
Other names: c.592C>T, p.Gln198Ter (NM_001160302.2, NM_001160306.2); c.709C>T, p.Gln237Ter (NM_003895.4); short protein forms Q198*, Q237*.
Identifiers: ClinVar variation 3384065 (VCV003384065.1).
Genomic context (GRCh38, chr21:32,695,170, plus strand): 5'-CATTAAACCTGGTCCCAGCTCGTTCACAGCTTAATCTTGAAATGAGGCAAGCCTTCGCCT[G>A]TTTATGAGCAGCATAAATTGTTCTGATTTCTACTCCTCCACACATAAGACGTAATAACCA-3'